The following is an entry in ClinVar:

NM_024334.3(TMEM43):c.167G>A (p.Arg56His)

Gene: TMEM43 (transmembrane protein 43; plus strand). Cytogenetic location: 3p25.1.
Variant type: single nucleotide variant.
Coding change: c.167G>A on transcript NM_024334.3 (MANE Select); coding-DNA position 167, G replaced by A.
Protein change: p.Arg56His; replaces arginine 56 with histidine.
Molecular consequence: missense variant.
Genome position (GRCh38, 1-based): chr3:14,130,826, G>A. VCF-style: chr3-14130826-G-A. GRCh37 (hg19) VCF-style: chr3-14172326-G-A.
Other names: short protein forms R56H.
Identifiers: ClinVar variation 860416 (VCV000860416.17), dbSNP rs747164382, ClinGen allele CA052046.

ClinVar aggregate classification (germline): Uncertain significance. Review status: criteria provided, multiple submitters, no conflicts (2 of 4 stars). 5 submissions from 5 submitters: Uncertain significance (5). Last evaluated 2025-07-29.

Conditions:
Cardiovascular phenotype. Identifiers: MedGen CN230736.
Arrhythmogenic right ventricular dysplasia 5. Also called: Arrhythmogenic Right Ventricular Dysplasia/Cardiomyopathy 5; ARRHYTHMOGENIC RIGHT VENTRICULAR DYSPLASIA, FAMILIAL, 5. Identifiers: MedGen C1858379, MONDO:0011459, OMIM 604400.
Cardiomyopathy (CMYO). Also called: Cardiomyopathies. Identifiers: Orphanet 167848, MedGen C0878544, MONDO:0004994, HP:0001638. Inheritance: Various modes of inheritance.

Allele frequency attached by ClinVar (database versions not stated): gnomAD 0.00001; TOPMed 0.00001; ExAC 0.00004; gnomAD exomes 0.00003.
gnomAD v4.1: 43 of 1,613,652 alleles (0.0027%); highest among the groups gnomAD compares: South Asian, 0.026%; no homozygotes.

Submissions (5):

Color Diagnostics, LLC DBA Color Health
Classification: Uncertain significance for Cardiomyopathy. Last evaluated: 2025-07-29. Review status: criteria provided, single submitter. Criteria: ACMG Guidelines, 2015. Collection method: clinical testing. Allele origin: germline.
Comment: This missense variant replaces arginine with histidine at codon 56 of the TMEM43 protein. Computational prediction suggests that this variant may not impact protein structure and function. To our knowledge, functional studies have not been reported for this variant. This variant has been reported in an individual suspected to be affected with cardiomyopathy or arrhythmia (PMID: 35947370). This variant has been identified in 8/251058 chromosomes in the general population by the Genome Aggregation Database (gnomAD). The available evidence is insufficient to determine the role of this variant in disease conclusively. Therefore, this variant is classified as a Variant of Uncertain Significance.

Labcorp Genetics (formerly Invitae), Labcorp
Classification: Uncertain significance for Arrhythmogenic right ventricular dysplasia 5. Last evaluated: 2024-08-28. Review status: criteria provided, single submitter. Criteria: Invitae Variant Classification Sherloc (09022015). Collection method: clinical testing. Allele origin: germline.
Comment: This sequence change replaces arginine, which is basic and polar, with histidine, which is basic and polar, at codon 56 of the TMEM43 protein (p.Arg56His). This variant is present in population databases (rs747164382, gnomAD 0.02%). This variant has not been reported in the literature in individuals affected with TMEM43-related conditions. ClinVar contains an entry for this variant (Variation ID: 860416). Invitae Evidence Modeling of protein sequence and biophysical properties (such as structural, functional, and spatial information, amino acid conservation, physicochemical variation, residue mobility, and thermodynamic stability) indicates that this missense variant is not expected to disrupt TMEM43 protein function with a negative predictive value of 80%. In summary, the available evidence is currently insufficient to determine the role of this variant in disease. Therefore, it has been classified as a Variant of Uncertain Significance.

All of Us Research Program, National Institutes of Health
Classification: Uncertain significance for Arrhythmogenic right ventricular dysplasia 5. Last evaluated: 2023-11-30. Review status: criteria provided, single submitter. Criteria: ACMG Guidelines, 2015. Collection method: clinical testing. Allele origin: germline. Inheritance: Autosomal dominant inheritance. Observed: 3 variant alleles, 3 heterozygotes.
Comment: This missense variant replaces arginine with histidine at codon 56 of the TMEM43 protein. Computational prediction suggests that this variant may not impact protein structure and function (internally defined REVEL score threshold <= 0.5, PMID: 27666373). Splice site prediction tools suggest that this variant may not impact RNA splicing. To our knowledge, functional studies have not been performed for this variant. This variant has not been reported in individuals affected with cardiovascular disorders in the literature. This variant has been identified in 8/251058 chromosomes in the general population by the Genome Aggregation Database (gnomAD). The available evidence is insufficient to determine the role of this variant in disease conclusively. Therefore, this variant is classified as a Variant of Uncertain Significance.

This study involves interpretation of variants in research participants for the purpose of population health screening. Participant phenotype was not available at the time of variant classification. Additional details can be found in publication PMID: 35346344, PMCID: PMC8962531

Victorian Clinical Genetics Services, Murdoch Childrens Research Institute
Classification: Uncertain significance for Arrhythmogenic right ventricular dysplasia 5. Last evaluated: 2021-05-06. Review status: criteria provided, single submitter. Criteria: ACMG Guidelines, 2015. Collection method: clinical testing. Allele origin: germline. Inheritance: Autosomal dominant inheritance. Affected: yes.
Comment: Based on the classification scheme VCGS_Germline_v1.3.4, this variant is classified as VUS-3B. Following criteria are met: 0105 - The mechanism of disease for this gene is not clearly established. However, loss-of-function is suspected considering the effect of p.(Ser358Leu) on protein function (PMID: 25343256). (I) 0107 - This gene is associated with autosomal dominant disease. (I) 0200 - Variant is predicted to result in a missense amino acid change from arginine to histidine. (I) 0251 - This variant is heterozygous. (I) 0302 - Variant is present in gnomAD (v2) <0.001 for a dominant condition (8 heterozygotes, 0 homozygotes). (SP) 0309 - An alternative amino acid change at the same position has been observed in gnomAD (v2) (17 heterozygotes, 0 homozygotes). (I) 0504 - Same amino acid change has been observed in placental mammals. (SB) 0604 - Variant is not located in an established domain, motif, hotspot or informative constraint region. (I) 0710 - Another missense variants comparable to the one identified in this case has inconclusive previous evidence for pathogenicity. An alternative change to a cysteine has been reported as a variant of uncertain significance in individuals with arrhythmogenic right ventricular cardiomyopathy (ARVC) and cardiomyopathy (ClinVar). (I) 0809 - Previous evidence of pathogenicity for this variant is inconclusive. This variant has been reported as a VUS in individuals with ARVC or cardiomyopathy (ClinVar). (I) 0905 - No published segregation evidence has been identified for this variant. (I) 1007 - No published functional evidence has been identified for this variant. (I) 1208 - Inheritance information for this variant is not currently available in this individual. (I) Legend: (SP) - Supporting pathogenic, (I) - Information, (SB) - Supporting benign

Ambry Genetics
Classification: Uncertain significance for Cardiovascular phenotype. Last evaluated: 2019-09-05. Review status: criteria provided, single submitter. Criteria: Ambry Variant Classification Scheme 2023. Collection method: clinical testing. Allele origin: germline.
Comment: The p.R56H variant (also known as c.167G>A), located in coding exon 3 of the TMEM43 gene, results from a G to A substitution at nucleotide position 167. The arginine at codon 56 is replaced by histidine, an amino acid with highly similar properties. This amino acid position is well conserved in available vertebrate species. In addition, this alteration is predicted to be tolerated by in silico analysis. Since supporting evidence is limited at this time, the clinical significance of this alteration remains unclear.

Literature cited by the submitters: PubMed 35947370 (cited by Color Diagnostics, LLC DBA Color Health); PubMed 25343256 (cited by Victorian Clinical Genetics Services, Murdoch Childrens Research Institute).